The following is an entry in ClinVar:

ClinVar aggregate classification (germline): Benign/Likely benign. Review status: criteria provided, multiple submitters, no conflicts (2 of 4 stars). 3 submissions from 3 submitters: Benign (1); Likely benign (1). 1 of the submissions does not count toward it. Last evaluated 2025-08-18.

Conditions:
PIK3C2B-related disorder. Also called: PIK3C2B-related condition.

Allele frequency attached by ClinVar (database versions not stated): gnomAD exomes 0.00095; ExAC 0.00101; 1000 Genomes Project 30x 0.00219; 1000 Genomes Project 0.00260; gnomAD 0.00309 and 0.00325; ESP Exome Variant Server 0.00315.
gnomAD v4.1: 969 of 920,984 alleles (0.11%); highest among the groups gnomAD compares: African/African-American, 1.2%; 6 homozygotes.

Submissions (3):

Genomic Medicine Center of Excellence, King Faisal Specialist Hospital and Research Centre
Classification: Likely benign. Last evaluated: 2025-08-18. Review status: criteria provided, single submitter. Criteria: ACMG Guidelines, 2015. Collection method: clinical testing. Allele origin: germline.

Labcorp Genetics (formerly Invitae), Labcorp
Classification: Benign. Last evaluated: 2018-05-08. Review status: criteria provided, single submitter. Criteria: Invitae Variant Classification Sherloc (09022015). Collection method: clinical testing. Allele origin: germline.

PreventionGenetics, part of Exact Sciences
Classification: Benign for PIK3C2B-related condition. Last evaluated: 2019-04-25. Review status: no assertion criteria provided. Collection method: clinical testing. Allele origin: germline. Not counted in ClinVar's aggregate classification.
Comment: This variant is classified as benign based on ACMG/AMP sequence variant interpretation guidelines (Richards et al. 2015 PMID: 25741868, with internal and published modifications).

NM_001377334.1(PIK3C2B):c.1034+7G>A

Gene: PIK3C2B (phosphatidylinositol-4-phosphate 3-kinase catalytic subunit type 2 beta; minus strand). Cytogenetic location: 1q32.1.
Variant type: single nucleotide variant.
Coding change: c.1034+7G>A on transcript NM_001377334.1 (MANE Select); 7 bases into the intron after coding-DNA position 1034, G replaced by A.
Molecular consequence: intron variant.
Genome position (GRCh38, 1-based): chr1:204,465,212, C>T on the plus strand (G>A on the coding strand, the complement: PIK3C2B is on the minus strand). VCF-style: chr1-204465212-C-T. GRCh37 (hg19) VCF-style: chr1-204434340-C-T.
Other names: c.1034+7G>A (NM_001377335.1, NM_002646.4).
Identifiers: ClinVar variation 710878 (VCV000710878.6), dbSNP rs373574680, ClinGen allele CA1348127.